The following is an entry in ClinVar:

NM_000540.3(RYR1):c.10793A>T (p.Glu3598Val)

Gene: RYR1 (ryanodine receptor 1; plus strand). Cytogenetic location: 19q13.2.
Variant type: single nucleotide variant.
Coding change: c.10793A>T on transcript NM_000540.3 (MANE Select); coding-DNA position 10793, A replaced by T.
Protein change: p.Glu3598Val; replaces glutamic acid 3598 with valine.
Molecular consequence: missense variant.
Genome position (GRCh38, 1-based): chr19:38,527,753, A>T. VCF-style: chr19-38527753-A-T. GRCh37 (hg19) VCF-style: chr19-39018393-A-T.
Other names: c.10778A>T, p.Glu3593Val (NM_001042723.2); short protein forms E3593V, E3598V.
Identifiers: ClinVar variation 3385538 (VCV003385538.4).

ClinVar aggregate classification (germline): Uncertain significance. Review status: criteria provided, multiple submitters, no conflicts (2 of 4 stars). 4 submissions from 4 submitters: Uncertain significance (4). Last evaluated 2025-10-05.

Conditions:
Malignant hyperthermia, susceptibility to, 1 (MHS1). Also called: Anesthesia related hyperthermia; Malignant hyperpyrexia; Fulminating hyperpyrexia; Pharmacogenic myopathy; Malignant hyperthermia suceptibility 1; RYR1-Related Malignant Hyperthermia Susceptibility. Identifiers: Orphanet 423, MedGen C2930980, MONDO:0007783, OMIM 145600.

gnomAD v4.1: 1 of 1,613,188 alleles (0.000062%); highest among the groups gnomAD compares: African/African-American, 0.0013%; no homozygotes.

Submissions (4):

Color Diagnostics, LLC DBA Color Health
Classification: Uncertain significance for Malignant hyperthermia, susceptibility to, 1. Last evaluated: 2025-10-05. Review status: criteria provided, single submitter. Criteria: ACMG Guidelines, 2015. Collection method: clinical testing. Allele origin: germline.
Comment: This missense variant replaces glutamic acid with valine at codon 3598 of the RYR1 protein. Computational prediction suggests that this variant may have deleterious impact on protein structure and function. To our knowledge, functional studies have not been reported for this variant. This variant has not been reported in individuals affected with RYR1-related disorders in the literature. This variant has not been identified in the general population by the Genome Aggregation Database (gnomAD). The available evidence is insufficient to determine the role of this variant in disease conclusively. Therefore, this variant is classified as a Variant of Uncertain Significance.

GeneDx
Classification: Uncertain significance. Last evaluated: 2025-06-24. Review status: criteria provided, single submitter. Criteria: GeneDx Variant Classification Process June 2021. Collection method: clinical testing. Allele origin: germline. Affected: yes.
Comment: Not observed at significant frequency in large population cohorts (gnomAD); In silico analysis supports that this missense variant has a deleterious effect on protein structure/function; In silico analysis supports a deleterious effect on splicing; Has not been previously published as pathogenic or benign to our knowledge

Women's Health and Genetics/Laboratory Corporation of America, LabCorp
Classification: Uncertain significance. Last evaluated: 2024-12-10. Review status: criteria provided, single submitter. Criteria: LabCorp Variant Classification Summary - May 2015. Collection method: clinical testing. Allele origin: germline.
Comment: Variant summary: RYR1 c.10793A>T (p.Glu3598Val) results in a non-conservative amino acid change in the encoded protein sequence. Four of four in-silico tools predict a damaging effect of the variant on protein function. The variant was absent in 251126 control chromosomes. The available data on variant occurrences in the general population are insufficient to allow any conclusion about variant significance. To our knowledge, no occurrence of c.10793A>T in individuals affected with Myopathy, RYR1-Associated and no experimental evidence demonstrating its impact on protein function have been reported. No submitters have cited clinical-significance assessments for this variant to ClinVar. Based on the evidence outlined above, the variant was classified as uncertain significance.

All of Us Research Program, National Institutes of Health
Classification: Uncertain significance for Malignant hyperthermia, susceptibility to, 1. Last evaluated: 2024-06-11. Review status: criteria provided, single submitter. Criteria: ACMG Guidelines, 2015. Collection method: clinical testing. Allele origin: germline. Inheritance: Autosomal dominant inheritance. Observed: 1 variant allele, 1 heterozygote.
Comment: This study involves interpretation of variants in research participants for the purpose of population health screening. Participant phenotype was not available at the time of variant classification. Additional details can be found in publication PMID: 35346344, PMCID: PMC8962531